The following is an entry in ClinVar:

ClinVar aggregate classification (germline): Pathogenic. Review status: criteria provided, multiple submitters, no conflicts (2 of 4 stars). 2 submissions from 2 submitters: Pathogenic (2). Last evaluated 2021-05-12.

Conditions:
SLC34A2-related disorder. Also called: SLC34A2-related condition.
PULMONARY ALVEOLAR MICROLITHIASIS. Identifiers: Orphanet 60025, MedGen C0155912, MONDO:0009928, OMIM 265100.

gnomAD v4.1: 2 of 1,613,806 alleles (0.00012%); highest among the groups gnomAD compares: East Asian, 0.0045%; no homozygotes.

Submissions (2):

Blueprint Genetics
Classification: Pathogenic for SLC34A2-related disorders. Last evaluated: 2021-05-12. Review status: criteria provided, single submitter. Criteria: ACMG Guidelines, 2015. Collection method: clinical testing. Allele origin: germline. Affected: yes. Observed: 1 variant allele.

Juno Genomics, Hangzhou Juno Genomics, Inc
Classification: Pathogenic for PULMONARY ALVEOLAR MICROLITHIASIS. Review status: criteria provided, single submitter. Criteria: ACMG Guidelines, 2015. Collection method: clinical testing. Allele origin: germline. Affected: yes.
Comment: Absent from controls (or at extremely low frequency if recessive) in Genome Aggregation Database, Exome Sequencing Project, 1000 Genomes Project, or Exome Aggregation Consortium.;Null variant in a gene where loss of function (LOF) is a known mechanism of disease.;For recessive disorders, detected in trans with a pathogenic variant.;Patient's phenotype or family history is highly specific for a disease with a single genetic etiology.;Co-segregation with disease in multiple affected family members in a gene definitively known to cause the disease.

NM_006424.3(SLC34A2):c.910A>T (p.Lys304Ter)

Gene: SLC34A2 (solute carrier family 34 member 2; plus strand). Cytogenetic location: 4p15.2.
Variant type: single nucleotide variant.
Coding change: c.910A>T on transcript NM_006424.3 (MANE Select); coding-DNA position 910, A replaced by T.
Protein change: p.Lys304Ter; replaces lysine 304 with a stop codon.
Molecular consequence: nonsense.
Genome position (GRCh38, 1-based): chr4:25,670,816, A>T. VCF-style: chr4-25670816-A-T. GRCh37 (hg19) VCF-style: chr4-25672438-A-T.
Other names: c.907A>T, p.Lys303Ter (NM_001177998.2, NM_001177999.2); short protein forms K303*, K304*.
Identifiers: ClinVar variation 3764726 (VCV003764726.3).